The following is an entry in ClinVar:

NM_033380.3(COL4A5):c.3686G>A (p.Gly1229Asp)

Gene: COL4A5 (collagen type IV alpha 5 chain; plus strand). Cytogenetic location: Xq22.3.
Variant type: single nucleotide variant.
Coding change: c.3686G>A on transcript NM_033380.3 (MANE Select); coding-DNA position 3686, G replaced by A.
Protein change: p.Gly1229Asp; replaces glycine 1229 with aspartic acid.
Molecular consequence: missense variant.
Genome position (GRCh38, 1-based): chrX:108,668,400, G>A. VCF-style: chrX-108668400-G-A. GRCh37 (hg19) VCF-style: chrX-107911630-G-A.
Other names: c.3686G>A, p.Gly1229Asp (NM_000495.5); short protein forms G1229D.
Identifiers: ClinVar variation 2737349 (VCV002737349.5), dbSNP rs104886253, ClinGen allele CA258928.

ClinVar aggregate classification (germline): Pathogenic/Likely pathogenic. Review status: criteria provided, multiple submitters, no conflicts (2 of 4 stars). 3 submissions from 3 submitters: Pathogenic (1); Likely pathogenic (2). Last evaluated 2024-10-08.

Conditions:
X-linked Alport syndrome (ATS1). Also called: COL4A5-Related Nephropathy; NEPHROPATHY AND DEAFNESS, X-LINKED. Identifiers: Orphanet 63, Orphanet 88917, MedGen C4746986, MONDO:0010520, OMIM 301050.

Submissions (3):

3billion
Classification: Likely pathogenic for X-linked Alport syndrome. Last evaluated: 2024-10-08. Review status: criteria provided, single submitter. Criteria: ACMG Guidelines, 2015. Collection method: clinical testing. Allele origin: germline. Affected: yes.
Comment: The variant is not observed in the gnomAD v4.1.0 dataset. Predicted Consequence/Location: The variant is located in a mutational hot spot and/or well-established functional domain in which established pathogenic variants have been reported. In silico tool predictions suggest damaging effect of the variant on gene or gene product [REVEL: 0.96 (>=0.6, sensitivity 0.68 and specificity 0.92); 3Cnet: 0.76 (>=0.6, sensitivity 0.72 and precision 0.9)]. The same nucleotide change resulting in the same amino acid change has been previously reported to be associated with COL4A5 related disorder (ClinVar ID: VCV002737349 /PMID: 10684360).Different missense changes at the same codon (p.Gly1229Ala, p.Gly1229Cys, p.Gly1229Ser, p.Gly1229Val) have been reported as pathogenic/likely pathogenic with strong evidence (ClinVar ID: VCV000562403, VCV000857172, VCV001470320 /PMID: 20884774, 24854265). Therefore, this variant is classified as Likely pathogenic according to the recommendation of ACMG/AMP guideline.

Fulgent Genetics
Classification: Pathogenic for X-linked Alport syndrome. Last evaluated: 2024-01-31. Review status: criteria provided, single submitter. Criteria: ACMG Guidelines, 2015. Collection method: clinical testing. Allele origin: germline.

Labcorp Genetics (formerly Invitae), Labcorp
Classification: Likely pathogenic. Last evaluated: 2023-08-01. Review status: criteria provided, single submitter. Criteria: Invitae Variant Classification Sherloc (09022015). Collection method: clinical testing. Allele origin: germline.
Comment: This sequence change replaces glycine, which is neutral and non-polar, with aspartic acid, which is acidic and polar, at codon 1229 of the COL4A5 protein (p.Gly1229Asp). This variant is not present in population databases (gnomAD no frequency). This missense change has been observed in individual(s) with Alport syndrome (PMID: 10684360). Advanced modeling of protein sequence and biophysical properties (such as structural, functional, and spatial information, amino acid conservation, physicochemical variation, residue mobility, and thermodynamic stability) performed at Invitae indicates that this missense variant is expected to disrupt COL4A5 protein function. This variant disrupts the triple helix domain of COL4A5. Glycine residues within the Gly-Xaa-Yaa repeats of the triple helix domain are required for the structure and stability of fibrillar collagens (PMID: 7695699, 8218237, 19344236). In COL4A5, missense variants at these glycine residues are significantly enriched in individuals with disease (PMID: 23720012, 27627812) compared to the general population (ExAC). This variant disrupts the p.Gly1229 amino acid residue in COL4A5. Other variant(s) that disrupt this residue have been observed in individuals with COL4A5-related conditions (PMID: 10684360, 28542346), which suggests that this may be a clinically significant amino acid residue. In summary, the currently available evidence indicates that the variant is pathogenic, but additional data are needed to prove that conclusively. Therefore, this variant has been classified as Likely Pathogenic.

Literature cited by the submitters: PubMed 20884774 (cited by 3billion); PubMed 10684360 (cited by 3billion and Labcorp Genetics (formerly Invitae), Labcorp); PubMed 7695699 (cited by Labcorp Genetics (formerly Invitae), Labcorp); PubMed 8218237 (cited by Labcorp Genetics (formerly Invitae), Labcorp); PubMed 19344236 (cited by Labcorp Genetics (formerly Invitae), Labcorp); PubMed 23720012 (cited by Labcorp Genetics (formerly Invitae), Labcorp); PubMed 27627812 (cited by Labcorp Genetics (formerly Invitae), Labcorp); PubMed 28542346 (cited by Labcorp Genetics (formerly Invitae), Labcorp).